The following is an entry in ClinVar:

ClinVar aggregate classification (germline): Uncertain significance (1 of 4 stars; one submission).

Conditions:
Emery-Dreifuss muscular dystrophy 5, autosomal dominant (EDMD5). Also called: EMERY-DREIFUSS MUSCULAR DYSTROPHY 5. Identifiers: Orphanet 261, MedGen C2751805, MONDO:0013072, OMIM 612999.

Allele frequency attached by ClinVar (database versions not stated): TOPMed below 0.00001.

Submission:

Labcorp Genetics (formerly Invitae), Labcorp
Classification: Uncertain significance for Emery-Dreifuss muscular dystrophy 5, autosomal dominant. Last evaluated: 2022-08-15. Review status: criteria provided, single submitter. Criteria: Invitae Variant Classification Sherloc (09022015). Collection method: clinical testing. Allele origin: germline.
Comment: Algorithms developed to predict the effect of missense changes on protein structure and function output the following: SIFT: "Tolerated"; PolyPhen-2: "Benign"; Align-GVGD: "Class C0". The alanine amino acid residue is found in multiple mammalian species, which suggests that this missense change does not adversely affect protein function. In summary, the available evidence is currently insufficient to determine the role of this variant in disease. Therefore, it has been classified as a Variant of Uncertain Significance. ClinVar contains an entry for this variant (Variation ID: 1463960). This variant has not been reported in the literature in individuals affected with SYNE2-related conditions. This variant is not present in population databases (gnomAD no frequency). This sequence change replaces threonine, which is neutral and polar, with alanine, which is neutral and non-polar, at codon 1306 of the SYNE2 protein (p.Thr1306Ala).

NM_182914.3(SYNE2):c.3916A>G (p.Thr1306Ala)

Gene: SYNE2 (spectrin repeat containing nuclear envelope protein 2; plus strand). Cytogenetic location: 14q23.2.
Variant type: single nucleotide variant.
Coding change: c.3916A>G on transcript NM_182914.3 (MANE Select); coding-DNA position 3916, A replaced by G.
Protein change: p.Thr1306Ala; replaces threonine 1306 with alanine.
Molecular consequence: missense variant.
Genome position (GRCh38, 1-based): chr14:64,002,849, A>G. VCF-style: chr14-64002849-A-G. GRCh37 (hg19) VCF-style: chr14-64469567-A-G.
Other names: c.3916A>G, p.Thr1306Ala (NM_015180.6); short protein forms T1306A.
Identifiers: ClinVar variation 1463960 (VCV001463960.6), dbSNP rs2096766111, ClinGen allele CA389996926.
Genomic context (GRCh38, chr14:64,002,849, plus strand): 5'-TTAAAGGAGTTACACCCATTTGATCTACACGCAATGCAGAATATTATACTGAAATACAAA[A>G]CACAATTTGAAGGAATGAACCACAGGGTGCAGAGGAGTGAAGATACTCTCAAAGCTCTGG-3'
Protein context (NP_878918.2, residues 1296-1316): AMQNIILKYK[Thr1306Ala]QFEGMNHRVQ